The following is an entry in ClinVar:

NM_022124.6(CDH23):c.7224+3G>A

Gene: CDH23 (cadherin related 23; plus strand). Cytogenetic location: 10q22.1.
Variant type: single nucleotide variant.
Coding change: c.7224+3G>A on transcript NM_022124.6 (MANE Select); 3 bases into the intron after coding-DNA position 7224, G replaced by A.
Molecular consequence: intron variant.
Genome position (GRCh38, 1-based): chr10:71,799,283, G>A. VCF-style: chr10-71799283-G-A. GRCh37 (hg19) VCF-style: chr10-73559040-G-A.
Other names: c.504+3G>A (NM_001171933.1, NM_001171934.1).
Identifiers: ClinVar variation 2137909 (VCV002137909.1), dbSNP rs1265692526, ClinGen allele CA668113507.

ClinVar aggregate classification (germline): Uncertain significance (1 of 4 stars; one submission).

Allele frequency attached by ClinVar (database versions not stated): TOPMed below 0.00001; gnomAD 0.00001.
gnomAD v4.1: 6 of 1,613,930 alleles (0.00037%); highest among the groups gnomAD compares: Non-Finnish European, 0.00051%; no homozygotes.

Submission:

Labcorp Genetics (formerly Invitae), Labcorp
Classification: Uncertain significance. Last evaluated: 2022-07-15. Review status: criteria provided, single submitter. Criteria: Invitae Variant Classification Sherloc (09022015). Collection method: clinical testing. Allele origin: germline.
Comment: This sequence change falls in intron 51 of the CDH23 gene. It does not directly change the encoded amino acid sequence of the CDH23 protein. It affects a nucleotide within the consensus splice site. This variant is not present in population databases (gnomAD no frequency). This variant has not been reported in the literature in individuals affected with CDH23-related conditions. Variants that disrupt the consensus splice site are a relatively common cause of aberrant splicing (PMID: 17576681, 9536098). Algorithms developed to predict the effect of sequence changes on RNA splicing suggest that this variant is not likely to affect RNA splicing. In summary, the available evidence is currently insufficient to determine the role of this variant in disease. Therefore, it has been classified as a Variant of Uncertain Significance.

Literature cited by the submitters: PubMed 17576681; PubMed 9536098.